The following is an entry in ClinVar:

NM_002439.5(MSH3):c.791A>G (p.Glu264Gly)

Gene: MSH3 (mutS homolog 3; plus strand). Cytogenetic location: 5q14.1.
Variant type: single nucleotide variant.
Coding change: c.791A>G on transcript NM_002439.5 (MANE Select); coding-DNA position 791, A replaced by G.
Protein change: p.Glu264Gly; replaces glutamic acid 264 with glycine.
Molecular consequence: missense variant.
Genome position (GRCh38, 1-based): chr5:80,670,308, A>G. VCF-style: chr5-80670308-A-G. GRCh37 (hg19) VCF-style: chr5-79966127-A-G.
Other names: short protein forms E264G.
Identifiers: ClinVar variation 1761205 (VCV001761205.5), dbSNP rs2546721293, ClinGen allele CA360267034.

ClinVar aggregate classification (germline): Uncertain significance. Review status: criteria provided, multiple submitters, no conflicts (2 of 4 stars). 2 submissions from 2 submitters: Uncertain significance (2). Last evaluated 2023-10-28.

Conditions:
Hereditary cancer-predisposing syndrome. Also called: Neoplastic Syndromes, Hereditary; Tumor predisposition; Hereditary Cancer Syndrome; Hereditary neoplastic syndrome. Identifiers: Orphanet 140162, MedGen C0027672, MeSH D009386, MONDO:0015356.

Submissions (2):

Labcorp Genetics (formerly Invitae), Labcorp
Classification: Uncertain significance. Last evaluated: 2023-10-28. Review status: criteria provided, single submitter. Criteria: Invitae Variant Classification Sherloc (09022015). Collection method: clinical testing. Allele origin: germline.
Comment: This sequence change replaces glutamic acid, which is acidic and polar, with glycine, which is neutral and non-polar, at codon 264 of the MSH3 protein (p.Glu264Gly). This variant is not present in population databases (gnomAD no frequency). This variant has not been reported in the literature in individuals affected with MSH3-related conditions. ClinVar contains an entry for this variant (Variation ID: 1761205). An algorithm developed to predict the effect of missense changes on protein structure and function (PolyPhen-2) suggests that this variant is likely to be disruptive. In summary, the available evidence is currently insufficient to determine the role of this variant in disease. Therefore, it has been classified as a Variant of Uncertain Significance.

Ambry Genetics
Classification: Uncertain significance for Hereditary cancer-predisposing syndrome. Last evaluated: 2022-05-04. Review status: criteria provided, single submitter. Criteria: Ambry Variant Classification Scheme 2023. Collection method: clinical testing. Allele origin: germline.
Comment: The p.E264G variant (also known as c.791A>G), located in coding exon 4 of the MSH3 gene, results from an A to G substitution at nucleotide position 791. The glutamic acid at codon 264 is replaced by glycine, an amino acid with similar properties. This amino acid position is conserved. In addition, this alteration is predicted to be deleterious by in silico analysis. Since supporting evidence is limited at this time, the clinical significance of this alteration remains unclear.